The following is an entry in ClinVar:

ClinVar aggregate classification (germline): Benign/Likely benign. Review status: criteria provided, multiple submitters, no conflicts (2 of 4 stars). 2 submissions from 2 submitters: Benign (1); Likely benign (1). Last evaluated 2026-06-08.

Conditions:
Pheochromocytoma. Also called: MAX-Related Hereditary Paraganglioma-Pheochromocytoma Syndrome. Identifiers: Orphanet 29072, MedGen C0031511, MONDO:0008233, OMIM 171300, HP:0002666.
Hereditary pheochromocytoma and paraganglioma. Also called: Hereditary Paraganglioma-Pheochromocytoma Syndromes; Hereditary paragangliomas and pheochromocytomas; Hereditary pheochromocytoma-paraganglioma. Identifiers: Orphanet 29072, MedGen C4274332, MONDO:0017366.

Submissions (2):

Myriad Genetics, Inc.
Classification: Benign for Pheochromocytoma. Last evaluated: 2026-06-08. Review status: criteria provided, single submitter. Criteria: Myriad Autosomal Dominant, Autosomal Recessive and X-Linked Classification Criteria (2023). Collection method: clinical testing. Allele origin: unknown.
Comment: This variant is considered benign. This variant is a silent/synonymous amino acid change and it is not expected to impact splicing.

Labcorp Genetics (formerly Invitae), Labcorp
Classification: Likely benign for Hereditary pheochromocytoma and paraganglioma. Last evaluated: 2023-05-09. Review status: criteria provided, single submitter. Criteria: Invitae Variant Classification Sherloc (09022015). Collection method: clinical testing. Allele origin: germline.

NM_002382.5(MAX):c.366C>T (p.Leu122=)

Gene: MAX (MYC associated transcriptional regulator X; minus strand). Cytogenetic location: 14q23.3.
Variant type: single nucleotide variant.
Coding change: c.366C>T on transcript NM_002382.5 (MANE Select); coding-DNA position 366, C replaced by T.
Protein change: p.Leu122=; no amino-acid change (leucine 122 retained).
Molecular consequence: synonymous variant. On other transcripts: 3 prime UTR variant (12), non-coding transcript variant (7), intron variant (2).
Genome position (GRCh38, 1-based): chr14:65,076,593, G>A on the plus strand (C>T on the coding strand, the complement: MAX is on the minus strand). VCF-style: chr14-65076593-G-A. GRCh37 (hg19) VCF-style: chr14-65543311-G-A.
Other names: c.177C>T, p.Leu59= (NM_001320415.2, NM_001407105.1, NM_001407106.1 and 1 more transcripts); c.366C>T, p.Leu122= (NM_001407094.1); c.339C>T, p.Leu113= (NM_001407095.1, NM_145112.3); c.*139C>T (NM_001407096.1, NM_001407099.1, NM_001407102.1 and 2 more transcripts); c.*155C>T (NM_001407097.1, NM_001407100.1, NM_001407101.1 and 4 more transcripts); c.258C>T, p.Leu86= (NM_001407098.1); c.165C>T, p.Leu55= (NM_001407111.1, NM_001407112.1); c.144+17115C>T (NM_001271069.2); and 1 more.
Identifiers: ClinVar variation 2960216 (VCV002960216.4), dbSNP rs2504174728, ClinGen allele CA390031772.